The following is an entry in ClinVar:

NM_020964.3(EPG5):c.1857A>T (p.Ser619=)

Gene: EPG5 (ectopic P-granules 5 autophagy tethering factor; minus strand). Cytogenetic location: 18q21.1.
Variant type: single nucleotide variant.
Coding change: c.1857A>T on transcript NM_020964.3 (MANE Select); coding-DNA position 1857, A replaced by T.
Protein change: p.Ser619=; no amino-acid change (serine 619 retained).
Molecular consequence: synonymous variant.
Genome position (GRCh38, 1-based): chr18:45,943,247, T>A on the plus strand (A>T on the coding strand, the complement: EPG5 is on the minus strand). VCF-style: chr18-45943247-T-A. GRCh37 (hg19) VCF-style: chr18-43523213-T-A.
Other names: c.1857A>T (NM_020964.2).
Identifiers: ClinVar variation 1591180 (VCV001591180.36), dbSNP rs543352996, ClinGen allele CA8949588.

ClinVar aggregate classification (germline): Likely benign. Review status: criteria provided, multiple submitters, no conflicts (2 of 4 stars). 4 submissions from 4 submitters: Likely benign (3). 1 of the submissions does not count toward it. Last evaluated 2025-10-16.

Conditions:
EPG5-related disorder. Also called: EPG5-related condition. Identifiers: MedGen CN381528.
Vici syndrome (VICIS). Identifiers: Orphanet 1493, MedGen C1855772, MONDO:0009452, OMIM 242840.

Allele frequency attached by ClinVar (database versions not stated): gnomAD 0.00005; TOPMed 0.00006; 1000 Genomes Project 30x 0.00016; 1000 Genomes Project 0.00020; gnomAD exomes 0.00023; ExAC 0.00024.
gnomAD v4.1: 220 of 1,614,130 alleles (0.014%); highest among the groups gnomAD compares: Middle Eastern, 0.12%; no homozygotes.

Submissions (6):

Labcorp Genetics (formerly Invitae), Labcorp
Classification: Likely benign for Vici syndrome. Last evaluated: 2025-10-16. Review status: criteria provided, single submitter. Criteria: Invitae Variant Classification Sherloc (09022015). Collection method: clinical testing. Allele origin: germline.

Blueprint Genetics
Classification: Likely benign. Last evaluated: 2024-11-27. Review status: criteria provided, single submitter. Criteria: ACMG Guidelines, 2015. Collection method: clinical testing. Allele origin: germline.

CeGaT Center for Human Genetics Tuebingen
Classification: Likely benign. Last evaluated: 2022-08-01. Review status: criteria provided, single submitter. Criteria: CeGaT Center For Human Genetics Tuebingen Variant Classification Criteria Version 2. Collection method: clinical testing. Allele origin: germline. Affected: yes. Observed: 1 variant allele.
Comment: EPG5: BP4, BP7

PreventionGenetics, part of Exact Sciences
Classification: Likely benign for EPG5-related condition. Last evaluated: 2019-02-21. Review status: no assertion criteria provided. Collection method: clinical testing. Allele origin: germline. Not counted in ClinVar's aggregate classification.
Comment: This variant is classified as likely benign based on ACMG/AMP sequence variant interpretation guidelines (Richards et al. 2015 PMID: 25741868, with internal and published modifications).

Dr. Peter K. Rogan Lab, Western University
No classification provided (evidence only). Condition: Hepatocellular carcinoma. Review status: no classification provided. Collection method: in vitro. Allele origin: not applicable. Functional consequence: retained intron. Not counted in ClinVar's aggregate classification.

Dr. Peter K. Rogan Lab, Western University
No classification provided (evidence only). Condition: Thymoma. Review status: no classification provided. Collection method: in vitro. Allele origin: not applicable. Functional consequence: retained intron. Not counted in ClinVar's aggregate classification.